The following is an entry in ClinVar:

NM_001009944.3(PKD1):c.9773_9774dup (p.Asp3259fs)

Gene: PKD1 (polycystin 1, transient receptor potential channel interacting; minus strand). Cytogenetic location: 16p13.3.
Variant type: Duplication.
Coding change: c.9773_9774dup on transcript NM_001009944.3 (MANE Select); coding-DNA positions 9773 to 9774, 2 bases duplicated (TT; older notation c.9773_9774dupTT).
Protein change: p.Asp3259fs; shifts the reading frame from aspartic acid 3259.
Molecular consequence: frameshift variant.
Genome position (GRCh38, 1-based): chr16:2,100,010-2,100,011, AA duplicated on the plus strand (TT on the coding strand, the reverse complement: PKD1 is on the minus strand); duplicating any 2 consecutive bases within chr16:2,100,010-2,100,012 gives the same sequence; the c. name uses the placement nearest the transcript's 3' end. VCF-style (leftmost placement, unchanged base first): chr16-2100009-C-CAA. GRCh37 (hg19) VCF-style: chr16-2150010-C-CAA.
Other names: c.9773_9774dup, p.Asp3259fs (NM_000296.4); short protein forms D3259fs.
Identifiers: ClinVar variation 5038091 (VCV005038091.1).

ClinVar aggregate classification (germline): Pathogenic (1 of 4 stars; one submission).

Conditions:
Polycystic kidney disease, adult type (PKD1). Also called: Polycystic Kidney Disease 1, Autosomal Dominant; POLYCYSTIC KIDNEY DISEASE, ADULT, TYPE I; Polycystic kidney disease 1; Polycystic kidney disease 1, severe; POLYCYSTIC KIDNEY DISEASE 1 WITH OR WITHOUT POLYCYSTIC LIVER DISEASE; Polycystic Kidney, Autosomal Dominant. Identifiers: MedGen C3149841, MONDO:0008263, OMIM 173900.

Submission:

MVZ Medizinische Genetik Mainz
Classification: Pathogenic for Polycystic kidney disease, adult type. Last evaluated: 2026-08-11. Review status: criteria provided, single submitter. Criteria: UK Practice Guidelines For Variant Classification V4 01 2020. Collection method: clinical testing. Allele origin: germline. Inheritance: Autosomal dominant inheritance. Affected: yes. Observed: 1 variant allele.
Comment: ACMG Criteria: PVS1,PM2_SUP,PP4